The following is an entry in ClinVar:

ClinVar aggregate classification (germline): Uncertain significance (1 of 4 stars; one submission).

Conditions:
Neurofibromatosis, type 2 (SWNV). Also called: BILATERAL ACOUSTIC NEUROFIBROMATOSIS; SCHWANNOMATOSIS, VESTIBULAR; NF2-Related Schwannomatosis. Identifiers: Orphanet 637, MedGen C0027832, MONDO:0007039, OMIM 101000. Disease mechanism: loss of function.

Submission:

Labcorp Genetics (formerly Invitae), Labcorp
Classification: Uncertain significance for Neurofibromatosis, type 2. Last evaluated: 2021-07-09. Review status: criteria provided, single submitter. Criteria: Invitae Variant Classification Sherloc (09022015). Collection method: clinical testing. Allele origin: germline.
Comment: This sequence change replaces alanine with isoleucine at codon 590 of the NF2 protein (p.Ala590Ile). The alanine residue is moderately conserved and there is a moderate physicochemical difference between alanine and isoleucine. The frequency data for this variant in the population databases is not available, as this variant may be reported as separate entries in the ExAC database. This variant has not been reported in the literature in individuals affected with NF2-related conditions. Algorithms developed to predict the effect of missense changes on protein structure and function are either unavailable or do not agree on the potential impact of this missense change (SIFT: "Not Available"; PolyPhen-2: "Benign"; Align-GVGD: "Not Available"). In summary, the available evidence is currently insufficient to determine the role of this variant in disease. Therefore, it has been classified as a Variant of Uncertain Significance.

NM_000268.4(NF2):c.1768_1769delinsAT (p.Ala590Ile)

Gene: NF2 (NF2, moesin-ezrin-radixin like (MERLIN) tumor suppressor; plus strand). Cytogenetic location: 22q12.2.
Variant type: Indel.
Coding change: c.1768_1769delinsAT on transcript NM_000268.4 (MANE Select); coding-DNA positions 1768 to 1769, GC replaced by AT.
Protein change: p.Ala590Ile; replaces alanine 590 with isoleucine.
Molecular consequence: missense variant. On other transcripts: 3 prime UTR variant (5), non-coding transcript variant (1).
Genome position (GRCh38, 1-based): chr22:29,694,782-29,694,783, GC replaced by AT. VCF-style: chr22-29694782-GC-AT. GRCh37 (hg19) VCF-style: chr22-30090771-GC-AT.
Other names: c.*40_*41delinsAT (NM_016418.5, NM_181828.3, NM_181829.3 and 1 more transcripts); c.*55_*56delinsAT (NM_181832.3); c.478_479delinsAT, p.Ala160Ile (NM_181833.3); short protein forms A160I, A590I.
Identifiers: ClinVar variation 1504386 (VCV001504386.8), dbSNP rs2147171876, ClinGen allele CA2573158082.
Genomic context (GRCh38, chr22:29,694,782, plus strand): 5'-CCTCTCAGCTTCTTCTCTGCTTTCTTACAGCTCACCTTGCAGAGCGCCAAGTCCCGAGTG[GC>AT]CTTCTTTGAAGAGCTCTAGCAGGTGACCCAGCCACCCCAGGACCTGCCACTTCTCCTGCT-3'
Protein context (NP_000259.1, residues 580-595): LTLQSAKSRV[Ala590Ile]FFEEL